The following is an entry in ClinVar:

ClinVar aggregate classification (germline): Benign (0 of 4 stars; one submission).

Conditions:
TYMS-related disorder. Also called: TYMS-related condition.

Allele frequency attached by ClinVar (database versions not stated): ESP Exome Variant Server 0.00108; gnomAD exomes 0.01052; gnomAD 0.01184; TOPMed 0.01414; ExAC 0.02827; 1000 Genomes Project 30x 0.05824; 1000 Genomes Project 0.06230.
gnomAD v4.1: 17,718 of 1,613,976 alleles (1.1%); highest among the groups gnomAD compares: East Asian, 13%; 973 homozygotes.

Submission:

PreventionGenetics, part of Exact Sciences
Classification: Benign for TYMS-related condition. Last evaluated: 2019-10-07. Review status: no assertion criteria provided. Collection method: clinical testing. Allele origin: germline.
Comment: This variant is classified as benign based on ACMG/AMP sequence variant interpretation guidelines (Richards et al. 2015 PMID: 25741868, with internal and published modifications).

NM_001071.4(TYMS):c.381A>G (p.Glu127=)

Gene: TYMS (thymidylate synthetase; plus strand). Cytogenetic location: 18p11.32.
Variant type: single nucleotide variant.
Coding change: c.381A>G on transcript NM_001071.4 (MANE Select); coding-DNA position 381, A replaced by G.
Protein change: p.Glu127=; no amino-acid change (glutamic acid 127 retained).
Molecular consequence: synonymous variant. On other transcripts: intron variant (1).
Genome position (GRCh38, 1-based): chr18:662,247, A>G. VCF-style: chr18-662247-A-G. GRCh37 (hg19) VCF-style: chr18-662247-A-G.
Other names: c.381A>G, p.Glu127= (NM_001354867.2); c.205+4300A>G (NM_001354868.2).
Identifiers: ClinVar variation 3038406 (VCV003038406.2), dbSNP rs3786362, ClinGen allele CA8867823.